The following is an entry in ClinVar:

ClinVar aggregate classification (germline): Uncertain significance. Review status: criteria provided, multiple submitters, no conflicts (2 of 4 stars). 3 submissions from 3 submitters: Uncertain significance (3). Last evaluated 2025-07-02.

Conditions:
Familial hemiplegic migraine. Identifiers: MedGen C0338484, MONDO:0000700.

Submissions (3):

GeneDx
Classification: Uncertain significance. Last evaluated: 2025-07-02. Review status: criteria provided, single submitter. Criteria: GeneDx Variant Classification Process June 2021. Collection method: clinical testing. Allele origin: germline. Affected: yes.
Comment: Not observed at significant frequency in large population cohorts (gnomAD); In silico analysis supports that this missense variant has a deleterious effect on protein structure/function; Has not been previously published as pathogenic or benign to our knowledge; This variant is associated with the following publications: (PMID: 18184292)

Labcorp Genetics (formerly Invitae), Labcorp
Classification: Uncertain significance for Familial hemiplegic migraine. Last evaluated: 2025-06-25. Review status: criteria provided, single submitter. Criteria: Invitae Variant Classification Sherloc (09022015). Collection method: clinical testing. Allele origin: germline.
Comment: This sequence change replaces alanine, which is neutral and non-polar, with valine, which is neutral and non-polar, at codon 361 of the ATP1A2 protein (p.Ala361Val). This variant is not present in population databases (gnomAD no frequency). This variant has not been reported in the literature in individuals affected with ATP1A2-related conditions. ClinVar contains an entry for this variant (Variation ID: 1364393). Invitae Evidence Modeling of protein sequence and biophysical properties (such as structural, functional, and spatial information, amino acid conservation, physicochemical variation, residue mobility, and thermodynamic stability) indicates that this missense variant is expected to disrupt ATP1A2 protein function with a positive predictive value of 80%. In summary, the available evidence is currently insufficient to determine the role of this variant in disease. Therefore, it has been classified as a Variant of Uncertain Significance.

Blueprint Genetics
Classification: Uncertain significance. Last evaluated: 2023-11-06. Review status: criteria provided, single submitter. Criteria: ACMG Guidelines, 2015. Collection method: clinical testing. Allele origin: germline.

NM_000702.4(ATP1A2):c.1082C>T (p.Ala361Val)

Gene: ATP1A2 (ATPase Na+/K+ transporting subunit alpha 2; plus strand). Cytogenetic location: 1q23.2.
Variant type: single nucleotide variant.
Coding change: c.1082C>T on transcript NM_000702.4 (MANE Select); coding-DNA position 1082, C replaced by T.
Protein change: p.Ala361Val; replaces alanine 361 with valine.
Molecular consequence: missense variant.
Genome position (GRCh38, 1-based): chr1:160,128,716, C>T. VCF-style: chr1-160128716-C-T. GRCh37 (hg19) VCF-style: chr1-160098506-C-T.
Other names: c.1082C>T (NM_000702.3); short protein forms A361V.
Identifiers: ClinVar variation 1364393 (VCV001364393.11), dbSNP rs2101989129, ClinGen allele CA343239323.
Genomic context (GRCh38, chr1:160,128,716, plus strand): 5'-GCCTGACCCTGACAGCCAAGCGCATGGCACGGAAGAACTGCCTGGTGAAGAACCTGGAGG[C>T]GGTGGAGACGCTGGGCTCCACGTCCACCATCTGCTCGGACAAGACGGGCACCCTCACCCA-3'
Protein context (NP_000693.1, residues 351-371): RKNCLVKNLE[Ala361Val]VETLGSTSTI